The following is an entry in ClinVar:

ClinVar aggregate classification (germline): Uncertain significance (1 of 4 stars; one submission).

gnomAD v4.1: 1 of 1,613,832 alleles (0.000062%); highest among the groups gnomAD compares: Admixed American, 0.0017%; no homozygotes.

Submission:

Labcorp Genetics (formerly Invitae), Labcorp
Classification: Uncertain significance. Last evaluated: 2022-05-19. Review status: criteria provided, single submitter. Criteria: Invitae Variant Classification Sherloc (09022015). Collection method: clinical testing. Allele origin: germline.
Comment: In summary, the available evidence is currently insufficient to determine the role of this variant in disease. Therefore, it has been classified as a Variant of Uncertain Significance. This sequence change replaces glutamine, which is neutral and polar, with arginine, which is basic and polar, at codon 241 of the DNASE1L3 protein (p.Gln241Arg). This variant is not present in population databases (gnomAD no frequency). This variant has not been reported in the literature in individuals affected with DNASE1L3-related conditions. Algorithms developed to predict the effect of missense changes on protein structure and function output the following: SIFT: "Deleterious"; PolyPhen-2: "Benign"; Align-GVGD: "Class C0". The arginine amino acid residue is found in multiple mammalian species, which suggests that this missense change does not adversely affect protein function.

NM_004944.4(DNASE1L3):c.722A>G (p.Gln241Arg)

Gene: DNASE1L3 (deoxyribonuclease 1L3; minus strand). Cytogenetic location: 3p14.3.
Variant type: single nucleotide variant.
Coding change: c.722A>G on transcript NM_004944.4 (MANE Select); coding-DNA position 722, A replaced by G.
Protein change: p.Gln241Arg; replaces glutamine 241 with arginine.
Molecular consequence: missense variant.
Genome position (GRCh38, 1-based): chr3:58,193,422, T>C on the plus strand (A>G on the coding strand, the complement: DNASE1L3 is on the minus strand). VCF-style: chr3-58193422-T-C. GRCh37 (hg19) VCF-style: chr3-58179149-T-C.
Other names: c.632A>G, p.Gln211Arg (NM_001256560.2); short protein forms Q211R, Q241R.
Identifiers: ClinVar variation 1924702 (VCV001924702.3), dbSNP rs2471301957, ClinGen allele CA353337803.